The following is an entry in ClinVar:

ClinVar aggregate classification (germline): Uncertain significance. Review status: criteria provided, multiple submitters, no conflicts (2 of 4 stars). 2 submissions from 2 submitters: Uncertain significance (2). Last evaluated 2022-06-13.

Conditions:
Brugada syndrome. Also called: Sudden unexpected nocturnal death syndrome; Sudden Unexplained Death Syndrome; Sudden Unexplained Nocturnal Death Syndrome (SUNDS); Sudden unexplained nocturnal death syndrome. Identifiers: Orphanet 130, MedGen C1142166, MONDO:0015263.
Cardiovascular phenotype. Identifiers: MedGen CN230736.

Allele frequency attached by ClinVar (database versions not stated): gnomAD exomes below 0.00001; TOPMed below 0.00001.
gnomAD v4.1: 3 of 1,614,152 alleles (0.00019%); highest among the groups gnomAD compares: Non-Finnish European, 0.00025%; no homozygotes.

Submissions (2):

Labcorp Genetics (formerly Invitae), Labcorp
Classification: Uncertain significance for Brugada syndrome. Last evaluated: 2022-06-13. Review status: criteria provided, single submitter. Criteria: Invitae Variant Classification Sherloc (09022015). Collection method: clinical testing. Allele origin: germline.
Comment: ClinVar contains an entry for this variant (Variation ID: 1053477). In summary, the available evidence is currently insufficient to determine the role of this variant in disease. Therefore, it has been classified as a Variant of Uncertain Significance. Advanced modeling of protein sequence and biophysical properties (such as structural, functional, and spatial information, amino acid conservation, physicochemical variation, residue mobility, and thermodynamic stability) performed at Invitae indicates that this missense variant is expected to disrupt SCN10A protein function. This variant has not been reported in the literature in individuals affected with SCN10A-related conditions. This variant is not present in population databases (gnomAD no frequency). This sequence change replaces threonine, which is neutral and polar, with asparagine, which is neutral and polar, at codon 1646 of the SCN10A protein (p.Thr1646Asn).

Ambry Genetics
Classification: Uncertain significance for Cardiovascular phenotype. Last evaluated: 2022-03-29. Review status: criteria provided, single submitter. Criteria: Ambry Variant Classification Scheme 2023. Collection method: clinical testing. Allele origin: germline.

NM_006514.4(SCN10A):c.4937C>A (p.Thr1646Asn)

Gene: SCN10A (sodium voltage-gated channel alpha subunit 10; minus strand). Cytogenetic location: 3p22.2.
Variant type: single nucleotide variant.
Coding change: c.4937C>A on transcript NM_006514.4 (MANE Select); coding-DNA position 4937, C replaced by A.
Protein change: p.Thr1646Asn; replaces threonine 1646 with asparagine.
Molecular consequence: missense variant.
Genome position (GRCh38, 1-based): chr3:38,698,283, G>T on the plus strand (C>A on the coding strand, the complement: SCN10A is on the minus strand). VCF-style: chr3-38698283-G-T. GRCh37 (hg19) VCF-style: chr3-38739774-G-T.
Other names: c.4934C>A, p.Thr1645Asn (NM_001293306.2); c.4643C>A, p.Thr1548Asn (NM_001293307.2); short protein forms T1548N, T1645N, T1646N.
Identifiers: ClinVar variation 1053477 (VCV001053477.7), dbSNP rs2063118515, ClinGen allele CA352155068.